The following is an entry in ClinVar:

NM_001018113.3(FANCB):c.1316G>A (p.Ser439Asn)

Gene: FANCB (FA complementation group B; minus strand). Cytogenetic location: Xp22.2.
Variant type: single nucleotide variant.
Coding change: c.1316G>A on transcript NM_001018113.3 (MANE Select); coding-DNA position 1316, G replaced by A.
Protein change: p.Ser439Asn; replaces serine 439 with asparagine.
Molecular consequence: missense variant.
Genome position (GRCh38, 1-based): chrX:14,853,049, C>T on the plus strand (G>A on the coding strand, the complement: FANCB is on the minus strand). VCF-style: chrX-14853049-C-T. GRCh37 (hg19) VCF-style: chrX-14871171-C-T.
Other names: c.1316G>A, p.Ser439Asn (NM_001324162.2, NM_001410764.1, NM_152633.4); short protein forms S439N.
Identifiers: ClinVar variation 4742995 (VCV004742995.1).
Genomic context (GRCh38, chrX:14,853,049, plus strand): 5'-ATAGATTTTCAATTCATAAAATGATAAAATGGTCACATGATTACTTTTACCTCCTCTGCA[C>T]TTGACGTATTATCATCTTTTCCTTGAACTAGGTTTATTAAAGCTTTGTAAGATTTTGAAA-3'
Protein context (NP_001018123.1, residues 429-449): LVQGKDDNTS[Ser439Asn]AEEKECLVPL

ClinVar aggregate classification (germline): Uncertain significance (1 of 4 stars; one submission).

Conditions:
Fanconi anemia (FA). Also called: Fanconi's anemia. Identifiers: Orphanet 84, MedGen C0015625, MeSH D005199, MONDO:0019391.

Submission:

Labcorp Genetics (formerly Invitae), Labcorp
Classification: Uncertain significance for Fanconi anemia. Last evaluated: 2025-06-14. Review status: criteria provided, single submitter. Criteria: Invitae Variant Classification Sherloc (09022015). Collection method: clinical testing. Allele origin: germline.
Comment: This sequence change replaces serine, which is neutral and polar, with asparagine, which is neutral and polar, at codon 439 of the FANCB protein (p.Ser439Asn). This variant is not present in population databases (gnomAD no frequency). This variant has not been reported in the literature in individuals affected with FANCB-related conditions. Invitae Evidence Modeling of protein sequence and biophysical properties (such as structural, functional, and spatial information, amino acid conservation, physicochemical variation, residue mobility, and thermodynamic stability) indicates that this missense variant is not expected to disrupt FANCB protein function with a negative predictive value of 80%. In summary, the available evidence is currently insufficient to determine the role of this variant in disease. Therefore, it has been classified as a Variant of Uncertain Significance.